The following is an entry in ClinVar:

NM_001130965.3(SUN1):c.2269A>G (p.Ile757Val)

Gene: SUN1 (Sad1 and UNC84 domain containing 1; plus strand). Cytogenetic location: 7p22.3.
Variant type: single nucleotide variant.
Coding change: c.2269A>G on transcript NM_001130965.3 (MANE Select); coding-DNA position 2269, A replaced by G.
Protein change: p.Ile757Val; replaces isoleucine 757 with valine.
Molecular consequence: missense variant. On other transcripts: non-coding transcript variant (3).
Genome position (GRCh38, 1-based): chr7:873,242, A>G. VCF-style: chr7-873242-A-G. GRCh37 (hg19) VCF-style: chr7-912879-A-G.
Other names: c.1960A>G, p.Ile654Val (NM_001171944.2); c.2269A>G, p.Ile757Val (NM_001367633.1, NM_001367634.1); c.1918A>G, p.Ile640Val (NM_001367635.1); c.2416A>G, p.Ile806Val (NM_001367636.1); c.2377A>G, p.Ile793Val (NM_001367638.1); c.1810A>G, p.Ile604Val (NM_001367639.1); c.2449A>G, p.Ile817Val (NM_001367640.1); c.2551A>G, p.Ile851Val (NM_001367641.1); and 56 more; short protein forms I604V, I675V, I706V, I711V, I713V, I770V, I771V, I785V.
Identifiers: ClinVar variation 2109325 (VCV002109325.4), dbSNP rs377414777, ClinGen allele CA152369004.

ClinVar aggregate classification (germline): Uncertain significance (1 of 4 stars; one submission).

Conditions:
Emery-Dreifuss muscular dystrophy (EDMD). Also called: Scapuloperoneal syndrome, X-linked (formerly); Humeroperoneal neuromuscular disease, (formerly). Identifiers: Orphanet 261, MedGen C0410189, MONDO:0016830.

Allele frequency attached by ClinVar (database versions not stated): TOPMed 0.00001; ESP Exome Variant Server 0.00008.

Submission:

Labcorp Genetics (formerly Invitae), Labcorp
Classification: Uncertain significance for Emery-Dreifuss muscular dystrophy. Last evaluated: 2022-03-11. Review status: criteria provided, single submitter. Criteria: Invitae Variant Classification Sherloc (09022015). Collection method: clinical testing. Allele origin: germline.
Comment: Algorithms developed to predict the effect of missense changes on protein structure and function output the following: SIFT: "Tolerated"; PolyPhen-2: "Benign"; Align-GVGD: "Class C0". The valine amino acid residue is found in multiple mammalian species, which suggests that this missense change does not adversely affect protein function. This sequence change replaces isoleucine, which is neutral and non-polar, with valine, which is neutral and non-polar, at codon 757 of the SUN1 protein (p.Ile757Val). This variant is not present in population databases (gnomAD no frequency). This variant has not been reported in the literature in individuals affected with SUN1-related conditions. In summary, the available evidence is currently insufficient to determine the role of this variant in disease. Therefore, it has been classified as a Variant of Uncertain Significance.